The following is an entry in ClinVar:

ClinVar aggregate classification (germline): Pathogenic (1 of 4 stars; one submission).

Conditions:
Monogenic hearing loss.

Submission:

Genetics Laboratory, Great Ormond Street Hospital NHS Foundation Trust, North Thames Genomic Laboratory Hub
Classification: Pathogenic for Monogenic hearing loss. Last evaluated: 2025-09-16. Review status: criteria provided, single submitter. Criteria: ACGS Best Practice Guidelines for Variant Classification in Rare Disease 2024 v1.2. Collection method: clinical testing. Allele origin: germline. Affected: yes.
Comment: PM2_moderate, PVS1_very-strong

NM_032119.4(ADGRV1):c.17949C>A (p.Cys5983Ter)

Gene: ADGRV1 (adhesion G protein-coupled receptor V1; plus strand). Cytogenetic location: 5q14.3.
Variant type: single nucleotide variant.
Coding change: c.17949C>A on transcript NM_032119.4 (MANE Select); coding-DNA position 17949, C replaced by A.
Protein change: p.Cys5983Ter; replaces cysteine 5983 with a stop codon.
Molecular consequence: nonsense. On other transcripts: non-coding transcript variant (1).
Genome position (GRCh38, 1-based): chr5:90,965,507, C>A. VCF-style: chr5-90965507-C-A. GRCh37 (hg19) VCF-style: chr5-90261324-C-A.
Other names: short protein forms C5983*.
Identifiers: ClinVar variation 4528899 (VCV004528899.1).